The following is an entry in ClinVar:

ClinVar aggregate classification (germline): Uncertain significance (1 of 4 stars; one submission).

Conditions:
Developmental and epileptic encephalopathy, 54. Also called: HNRNPU-Related Neurodevelopmental Disorder; Epileptic encephalopathy, early infantile, 54. Identifiers: MedGen C4479319, MONDO:0033363, OMIM 617391.

Submission:

Juno Genomics, Hangzhou Juno Genomics, Inc
Classification: Uncertain significance for Developmental and epileptic encephalopathy, 54. Review status: criteria provided, single submitter. Criteria: ACMG Guidelines, 2015. Collection method: clinical testing. Allele origin: germline.
Comment: Absent from controls (or at extremely low frequency if recessive) in Genome Aggregation Database.;Missense variant in a gene that has a low rate of benign missense variation.

NM_031844.3(HNRNPU):c.856A>C (p.Thr286Pro)

Gene: HNRNPU (heterogeneous nuclear ribonucleoprotein U; minus strand). Cytogenetic location: 1q44.
Variant type: single nucleotide variant.
Coding change: c.856A>C on transcript NM_031844.3 (MANE Select); coding-DNA position 856, A replaced by C.
Protein change: p.Thr286Pro; replaces threonine 286 with proline.
Molecular consequence: missense variant.
Genome position (GRCh38, 1-based): chr1:244,862,482, T>G on the plus strand (A>C on the coding strand, the complement: HNRNPU is on the minus strand). VCF-style: chr1-244862482-T-G. GRCh37 (hg19) VCF-style: chr1-245025784-T-G.
Other names: c.799A>C, p.Thr267Pro (NM_004501.3); short protein forms T267P, T286P.
Identifiers: ClinVar variation 5006449 (VCV005006449.2).
Genomic context (GRCh38, chr1:244,862,482, plus strand): 5'-CACCGCATTTCATAATTGGGGAGAAACAGCTTCACTTACAAGTATCAAGACAAACCACTG[T>G]GTCATCGAAGTGTTCATCTTCTTCTTCAACAGGTGGCTGAGGAGATTTGGCTCTGAAAGA-3'
Protein context (NP_114032.2, residues 276-296): VEEEDEHFDD[Thr286Pro]VVCLDTYNCD